The following is an entry in ClinVar:

ClinVar aggregate classification (germline): Uncertain significance (1 of 4 stars; one submission).

Conditions:
Inborn genetic diseases. Identifiers: MedGen C0950123, MeSH D030342.

Allele frequency attached by ClinVar (database versions not stated): gnomAD exomes below 0.00001.

Submission:

Ambry Genetics
Classification: Uncertain significance for Inborn genetic diseases. Last evaluated: 2023-03-24. Review status: criteria provided, single submitter. Criteria: Ambry Variant Classification Scheme 2023. Collection method: clinical testing. Allele origin: germline.
Comment: Not expected to trigger nonsense-mediated mRNA decay Based on insufficient or conflicting evidence, the clinical significance of this alteration remains unclear.

NM_005138.3(SCO2):c.610dup (p.Ser204fs)

Genes: NCAPH2 (non-SMC condensin II complex subunit H2; plus strand), SCO2 (synthesis of cytochrome C oxidase 2; minus strand). Cytogenetic location: 22q13.33.
Variant type: Duplication.
Coding change: c.610dup on transcript NM_005138.3 (MANE Select); coding-DNA position 610, one base duplicated (A; older notation c.610dupA).
Protein change: p.Ser204fs; shifts the reading frame from serine 204.
Molecular consequence: frameshift variant. On other transcripts: 3 prime UTR variant (2).
Genome position (GRCh38, 1-based): chr22:50,523,802, T duplicated on the plus strand (A on the coding strand, the reverse complement: SCO2 is on the minus strand). VCF-style (leftmost placement, unchanged base first): chr22-50523801-C-CT. GRCh37 (hg19) VCF-style: chr22-50962230-C-CT.
Other names: c.*427dup (NM_001185011.2, NM_152299.4); c.610dup, p.Ser204fs (NM_001169109.2, NM_001169110.1, NM_001169111.2); short protein forms S204fs.
Identifiers: ClinVar variation 2525710 (VCV002525710.2), dbSNP rs1569521476, ClinGen allele CA640357354.